The following is an entry in ClinVar:

ClinVar aggregate classification (germline): Uncertain significance (1 of 4 stars; one submission).

Conditions:
Inborn genetic diseases. Identifiers: MedGen C0950123, MeSH D030342.

Allele frequency attached by ClinVar (database versions not stated): ExAC 0.00001; gnomAD exomes 0.00001.
gnomAD v4.1: 8 of 1,612,584 alleles (0.0005%); highest among the groups gnomAD compares: East Asian, 0.018%; no homozygotes.

Submission:

Ambry Genetics
Classification: Uncertain significance for Inborn genetic diseases. Last evaluated: 2024-11-02. Review status: criteria provided, single submitter. Criteria: Ambry Variant Classification Scheme 2023. Collection method: clinical testing. Allele origin: germline.
Comment: The p.Y612H variant (also known as c.1834T>C), located in coding exon 16 of the LRRK2 gene, results from a T to C substitution at nucleotide position 1834. The tyrosine at codon 612 is replaced by histidine, an amino acid with similar properties. This amino acid position is conserved. In addition, this alteration is predicted to be tolerated by in silico analysis. Since supporting evidence is limited at this time, the clinical significance of this alteration remains unclear.

NM_198578.4(LRRK2):c.1834T>C (p.Tyr612His)

Gene: LRRK2 (leucine rich repeat kinase 2; plus strand). Cytogenetic location: 12q12.
Variant type: single nucleotide variant.
Coding change: c.1834T>C on transcript NM_198578.4 (MANE Select); coding-DNA position 1834, T replaced by C.
Protein change: p.Tyr612His; replaces tyrosine 612 with histidine.
Molecular consequence: missense variant.
Genome position (GRCh38, 1-based): chr12:40,274,886, T>C. VCF-style: chr12-40274886-T-C. GRCh37 (hg19) VCF-style: chr12-40668688-T-C.
Other names: short protein forms Y612H.
Identifiers: ClinVar variation 1781022 (VCV001781022.3), dbSNP rs763220510, ClinGen allele CA6513473.
Genomic context (GRCh38, chr12:40,274,886, plus strand): 5'-AAACAATTCTTTTTTTTTATTTTCCTAGAAATTCAGTGTCTGGGTTTAAGTCTTATAGGA[T>C]ACTTGATTACAAAGAAGAATGTGTTCATAGGAACTGGACATCTGCTGGCAAAAATTCTGG-3'
Protein context (NP_940980.4, residues 602-622): IQCLGLSLIG[Tyr612His]LITKKNVFIG